The following is an entry in ClinVar:

NM_000018.4(ACADVL):c.1825G>A (p.Glu609Lys)

Gene: ACADVL (acyl-CoA dehydrogenase very long chain; plus strand). Cytogenetic location: 17p13.1.
Variant type: single nucleotide variant.
Coding change: c.1825G>A on transcript NM_000018.4 (MANE Select); coding-DNA position 1825, G replaced by A.
Protein change: p.Glu609Lys; replaces glutamic acid 609 with lysine.
Molecular consequence: missense variant.
Genome position (GRCh38, 1-based): chr17:7,224,882, G>A. VCF-style: chr17-7224882-G-A. GRCh37 (hg19) VCF-style: chr17-7128201-G-A.
Other names: c.1759G>A, p.Glu587Lys (NM_001033859.3); c.1894G>A, p.Glu632Lys (NM_001270447.2); c.1597G>A, p.Glu533Lys (NM_001270448.2); short protein forms E609K, E587K, E632K, E533K.
Identifiers: ClinVar variation 92281 (VCV000092281.23), dbSNP rs398123086, ClinGen allele CA220202.

ClinVar aggregate classification (germline): Uncertain significance. Review status: criteria provided, multiple submitters, no conflicts (2 of 4 stars). 5 submissions from 5 submitters: Uncertain significance (3). 2 of the submissions do not count toward it. Last evaluated 2022-03-27.

Conditions:
Very long chain acyl-CoA dehydrogenase deficiency (ACADVLD). Also called: VLCAD Deficiency; Very Long-Chain Acyl-Coenzyme A Dehydrogenase Deficiency. Identifiers: Orphanet 26793, MedGen C3887523, MONDO:0008723, OMIM 201475.

Allele frequency attached by ClinVar (database versions not stated): gnomAD exomes 0.00001; TOPMed 0.00001; gnomAD 0.00001 and 0.00002.
gnomAD v4.1: 16 of 1,613,902 alleles (0.00099%); highest among the groups gnomAD compares: South Asian, 0.0033%; no homozygotes.

Submissions (5):

Labcorp Genetics (formerly Invitae), Labcorp
Classification: Uncertain significance for Very long chain acyl-CoA dehydrogenase deficiency. Last evaluated: 2022-03-27. Review status: criteria provided, single submitter. Criteria: Invitae Variant Classification Sherloc (09022015). Collection method: clinical testing. Allele origin: germline.
Comment: This sequence change replaces glutamic acid, which is acidic and polar, with lysine, which is basic and polar, at codon 609 of the ACADVL protein (p.Glu609Lys). This variant is present in population databases (rs398123086, gnomAD 0.003%). This variant has not been reported in the literature in individuals affected with ACADVL-related conditions. ClinVar contains an entry for this variant (Variation ID: 92281). Algorithms developed to predict the effect of missense changes on protein structure and function (SIFT, PolyPhen-2, Align-GVGD) all suggest that this variant is likely to be tolerated. In summary, the available evidence is currently insufficient to determine the role of this variant in disease. Therefore, it has been classified as a Variant of Uncertain Significance.

Wong Mito Lab, Molecular and Human Genetics, Baylor College of Medicine
Classification: Uncertain significance for Very long chain acyl-CoA dehydrogenase deficiency. Last evaluated: 2019-11-01. Review status: criteria provided, single submitter. Criteria: ACMG Guidelines, 2015. Collection method: clinical testing. Allele origin: germline.
Comment: The NM_000018.3:c.1825G>A (NP_000009.1:p.Glu609Lys) [GRCH38: NC_000017.11:g.7224882G>A] variant in ACADVL gene is interpretated to be Uncertain Significance based on ACMG guidelines (PMID: 25741868). This variant has been reported. This variant meets the following evidence codes reported in the ACMG guidelines: PP3

Eurofins Ntd Llc (ga)
Classification: Uncertain significance. Last evaluated: 2015-03-23. Review status: criteria provided, single submitter. Criteria: EGL Classification Definitions 2015. Collection method: clinical testing. Allele origin: germline. Observed: 2 variant alleles, 2 heterozygotes.

Natera, Inc.
Classification: Uncertain significance for Very long chain acyl-CoA dehydrogenase deficiency. Last evaluated: 2020-03-26. Review status: no assertion criteria provided. Collection method: clinical testing. Allele origin: germline. Not counted in ClinVar's aggregate classification.

Counsyl
Classification: Uncertain significance for Very long chain acyl-CoA dehydrogenase deficiency. Last evaluated: 2017-11-09. Review status: no assertion criteria provided. Collection method: clinical testing. Allele origin: unknown. Not counted in ClinVar's aggregate classification.

Literature cited by the submitters: PubMed 26385305 (cited by Counsyl).